The following is an entry in ClinVar:

ClinVar aggregate classification (germline): Uncertain significance (1 of 4 stars; one submission).

Allele frequency attached by ClinVar (database versions not stated): gnomAD exomes below 0.00001.
gnomAD v4.1: 1 of 1,612,338 alleles (0.000062%); highest among the groups gnomAD compares: Non-Finnish European, 0.000085%; no homozygotes.

Submission:

Women's Health and Genetics/Laboratory Corporation of America, LabCorp
Classification: Uncertain significance. Last evaluated: 2023-10-18. Review status: criteria provided, single submitter. Criteria: LabCorp Variant Classification Summary - May 2015. Collection method: clinical testing. Allele origin: germline.
Comment: Variant summary: GLDC c.2969A>C (p.Asp990Ala) results in a non-conservative amino acid change located in the Glycine dehydrogenase, C-terminal domain (IPR049316) of the encoded protein sequence. Five of five in-silico tools predict a damaging effect of the variant on protein function. The variant was absent in 251446 control chromosomes. The available data on variant occurrences in the general population are insufficient to allow any conclusion about variant significance. To our knowledge, no occurrence of c.2969A>C in individuals affected with Glycine Encephalopathy (Non-Ketotic Hyperglycinemia) and no experimental evidence demonstrating its impact on protein function have been reported. No submitters have cited clinical-significance assessments for this variant to ClinVar after 2014. Based on the evidence outlined above, the variant was classified as uncertain significance.

NM_000170.3(GLDC):c.2969A>C (p.Asp990Ala)

Gene: GLDC (glycine decarboxylase; minus strand). Cytogenetic location: 9p24.1.
Variant type: single nucleotide variant.
Coding change: c.2969A>C on transcript NM_000170.3 (MANE Select); coding-DNA position 2969, A replaced by C.
Protein change: p.Asp990Ala; replaces aspartic acid 990 with alanine.
Molecular consequence: missense variant.
Genome position (GRCh38, 1-based): chr9:6,533,111, T>G on the plus strand (A>C on the coding strand, the complement: GLDC is on the minus strand). VCF-style: chr9-6533111-T-G. GRCh37 (hg19) VCF-style: chr9-6533111-T-G.
Other names: short protein forms D990A.
Identifiers: ClinVar variation 2637794 (VCV002637794.1), dbSNP rs2489006074, ClinGen allele CA372881687.